The following is an entry in ClinVar:

ClinVar aggregate classification (germline): Uncertain significance. Review status: criteria provided, multiple submitters, no conflicts (2 of 4 stars). 2 submissions from 2 submitters: Uncertain significance (2). Last evaluated 2023-01-06.

Conditions:
Neuroblastoma, susceptibility to, 3. Also called: ALK-Related Neuroblastic Tumor Susceptibility. Identifiers: Orphanet 635, MedGen C2751681, MONDO:0013083, OMIM 613014.

Submissions (2):

Women's Health and Genetics/Laboratory Corporation of America, LabCorp
Classification: Uncertain significance. Last evaluated: 2023-01-06. Review status: criteria provided, single submitter. Criteria: LabCorp Variant Classification Summary - May 2015. Collection method: clinical testing. Allele origin: germline.
Comment: Variant summary: ALK c.266G>T (p.Gly89Val) results in a non-conservative amino acid change in the encoded protein sequence. Two of four in-silico tools predict a benign effect of the variant on protein function. The variant was absent in 174614 control chromosomes (gnomAD). The available data on variant occurrences in the general population are insufficient to allow any conclusion about variant significance. To our knowledge, no occurrence of c.266G>T in individuals affected with Neuroblastoma, Susceptibility Type 3 and no experimental evidence demonstrating its impact on protein function have been reported. No clinical diagnostic laboratories have submitted clinical-significance assessments for this variant to ClinVar after 2014. Based on the evidence outlined above, the variant was classified as uncertain significance.

Labcorp Genetics (formerly Invitae), Labcorp
Classification: Uncertain significance for Neuroblastoma, susceptibility to, 3. Last evaluated: 2022-10-25. Review status: criteria provided, single submitter. Criteria: Invitae Variant Classification Sherloc (09022015). Collection method: clinical testing. Allele origin: germline.
Comment: Algorithms developed to predict the effect of missense changes on protein structure and function are either unavailable or do not agree on the potential impact of this missense change (SIFT: "Deleterious"; PolyPhen-2: "Possibly Damaging"; Align-GVGD: "Class C0"). In summary, the available evidence is currently insufficient to determine the role of this variant in disease. Therefore, it has been classified as a Variant of Uncertain Significance. This variant has not been reported in the literature in individuals affected with ALK-related conditions. This variant is not present in population databases (gnomAD no frequency). This sequence change replaces glycine, which is neutral and non-polar, with valine, which is neutral and non-polar, at codon 89 of the ALK protein (p.Gly89Val).

NM_004304.5(ALK):c.266G>T (p.Gly89Val)

Gene: ALK (ALK receptor tyrosine kinase; minus strand). Cytogenetic location: 2p23.1.
Variant type: single nucleotide variant.
Coding change: c.266G>T on transcript NM_004304.5 (MANE Select); coding-DNA position 266, G replaced by T.
Protein change: p.Gly89Val; replaces glycine 89 with valine.
Molecular consequence: missense variant.
Genome position (GRCh38, 1-based): chr2:29,920,394, C>A on the plus strand (G>T on the coding strand, the complement: ALK is on the minus strand). VCF-style: chr2-29920394-C-A. GRCh37 (hg19) VCF-style: chr2-30143260-C-A.
Other names: c.266G>T (NM_004304.4); short protein forms G89V.
Identifiers: ClinVar variation 2061972 (VCV002061972.7), dbSNP rs1558549988, ClinGen allele CA346590370.
Genomic context (GRCh38, chr2:29,920,394, plus strand): 5'-GAGACCCCCGGCGCCGGCCCCAGCAACCTGAGCAGCGGGGCGCAGTCCAGAGCTAGCGAG[C>A]CGCGGGCCTCGGGCCTGCCAGCCTTCAGCTCCGAGGAGGATGGTGGCAGCAGTAGGTCCC-3'
Protein context (NP_004295.2, residues 79-99): ELKAGRPEAR[Gly89Val]SLALDCAPLL